The following is an entry in ClinVar:

NM_002454.3(MTRR):c.537T>C (p.Leu179=)

Gene: MTRR (5-methyltetrahydrofolate-homocysteine methyltransferase reductase; plus strand). Cytogenetic location: 5p15.31.
Variant type: single nucleotide variant.
Coding change: c.537T>C on transcript NM_002454.3 (MANE Select); coding-DNA position 537, T replaced by C.
Protein change: p.Leu179=; no amino-acid change (leucine 179 retained).
Molecular consequence: synonymous variant. On other transcripts: non-coding transcript variant (14).
Genome position (GRCh38, 1-based): chr5:7,878,079, T>C. VCF-style: chr5-7878079-T-C. GRCh37 (hg19) VCF-style: chr5-7878192-T-C.
Other names: p.L206L:CTT>CTC; p.Leu179=; c.537T>C, p.Leu179= (NM_001364440.2, NM_001364441.2, NM_001364442.2 and 1 more transcripts).
Identifiers: ClinVar variation 138305 (VCV000138305.21), dbSNP rs161870, ClinGen allele CA292244.

ClinVar aggregate classification (germline): Benign. Review status: criteria provided, multiple submitters, no conflicts (2 of 4 stars). 9 submissions from 9 submitters: Benign (8). 1 of the submissions does not count toward it. Last evaluated 2026-02-04.

Conditions:
Disorders of Intracellular Cobalamin Metabolism. Identifiers: MedGen CN043592.
Methylcobalamin deficiency type cblE (HMAE). Also called: HOMOCYSTINURIA-MEGALOBLASTIC ANEMIA, cblE COMPLEMENTATION TYPE; HOMOCYSTINURIA-MEGALOBLASTIC ANEMIA, cblE TYPE; VITAMIN B12-RESPONSIVE HOMOCYSTINURIA, cblE TYPE. Identifiers: Orphanet 2169, Orphanet 622, MedGen C1856057, MONDO:0009354, OMIM 236270.

Allele frequency attached by ClinVar (database versions not stated): gnomAD exomes 0.13200 and 0.17587; ExAC 0.17106; ESP Exome Variant Server 0.20621; gnomAD 0.20745 and 0.20980; TOPMed 0.23340; 1000 Genomes Project 0.25300; 1000 Genomes Project 30x 0.26327.

Submissions (9):

Labcorp Genetics (formerly Invitae), Labcorp
Classification: Benign for Methylcobalamin deficiency type cblE. Last evaluated: 2026-02-04. Review status: criteria provided, single submitter. Criteria: Invitae Variant Classification Sherloc (09022015). Collection method: clinical testing. Allele origin: germline.

Women's Health and Genetics/Laboratory Corporation of America, LabCorp
Classification: Benign. Last evaluated: 2024-11-11. Review status: criteria provided, single submitter. Criteria: LabCorp Variant Classification Summary - May 2015. Collection method: clinical testing. Allele origin: germline.

Mayo Clinic Laboratories, Mayo Clinic
Classification: Benign. Last evaluated: 2022-03-03. Review status: criteria provided, single submitter. Criteria: ACMG Guidelines, 2015. Collection method: clinical testing. Allele origin: germline. Observed: 33 variant alleles.

Genome-Nilou Lab
Classification: Benign for Methylcobalamin deficiency type cblE. Last evaluated: 2021-09-05. Review status: criteria provided, single submitter. Criteria: ACMG Guidelines, 2015. Collection method: clinical testing. Allele origin: germline. Affected: no.

Pars Genome Lab
Classification: Benign for Methylcobalamin deficiency type cblE. Last evaluated: 2021-06-19. Review status: criteria provided, single submitter. Criteria: ACMG Guidelines, 2015. Collection method: clinical testing. Allele origin: germline. Affected: no.

Illumina Laboratory Services, Illumina
Classification: Benign for Disorders of Intracellular Cobalamin Metabolism. Last evaluated: 2018-01-13. Review status: criteria provided, single submitter. Criteria: ICSL Variant Classification Criteria 13 December 2019. Collection method: clinical testing. Allele origin: germline.
Comment: This variant was observed in the ICSL laboratory as part of a predisposition screen in an ostensibly healthy population. It had not been previously curated by ICSL or reported in the Human Gene Mutation Database (HGMD: prior to June 1st, 2018), and was therefore a candidate for classification through an automated scoring system. Utilizing variant allele frequency, disease prevalence and penetrance estimates, and inheritance mode, an automated score was calculated to assess if this variant is too frequent to cause the disease. Based on the score and internal cut-off values, a variant classified as benign is not then subjected to further curation. The score for this variant resulted in a classification of benign for this disease.

GeneDx
Classification: Benign. Last evaluated: 2013-05-29. Review status: criteria provided, single submitter. Criteria: GeneDx Variant Classification (06012015). Collection method: clinical testing. Allele origin: germline. Affected: yes.
Comment: This variant is considered likely benign or benign based on one or more of the following criteria: it is a conservative change, it occurs at a poorly conserved position in the protein, it is predicted to be benign by multiple in silico algorithms, and/or has population frequency not consistent with disease.

Breakthrough Genomics
Classification: Benign. Review status: criteria provided, single submitter. Criteria: ACMG Guidelines, 2015. Collection method: not provided. Allele origin: germline. Inheritance: Autosomal recessive inheritance. Affected: yes.

Natera, Inc.
Classification: Benign for CblE complementation type homocystinuria-megaloblastic anemia due to defect in cobalamin metabolism. Last evaluated: 2020-09-16. Review status: no assertion criteria provided. Collection method: clinical testing. Allele origin: germline. Not counted in ClinVar's aggregate classification.